The following is an entry in ClinVar:

ClinVar aggregate classification (germline): Uncertain significance (1 of 4 stars; one submission).

gnomAD v4.1: 1 of 1,613,770 alleles (0.000062%); highest among the groups gnomAD compares: Non-Finnish European, 0.000085%; no homozygotes.

Submission:

GeneDx
Classification: Uncertain significance. Last evaluated: 2026-03-26. Review status: criteria provided, single submitter. Criteria: GeneDx Variant Classification Process June 2021. Collection method: clinical testing. Allele origin: germline.
Comment: Not observed at significant frequency in large population cohorts (gnomAD); In silico analysis suggests that this missense variant does not alter protein structure/function; Has not been previously published as pathogenic or benign to our knowledge

NM_001161352.2(KCNMA1):c.2035G>T (p.Ala679Ser)

Gene: KCNMA1 (potassium calcium-activated channel subfamily M alpha 1; minus strand). Cytogenetic location: 10q22.3.
Variant type: single nucleotide variant.
Coding change: c.2035G>T on transcript NM_001161352.2 (MANE Select); coding-DNA position 2035, G replaced by T.
Protein change: p.Ala679Ser; replaces alanine 679 with serine.
Molecular consequence: missense variant.
Genome position (GRCh38, 1-based): chr10:77,012,024, C>A on the plus strand (G>T on the coding strand, the complement: KCNMA1 is on the minus strand). VCF-style: chr10-77012024-C-A. GRCh37 (hg19) VCF-style: chr10-78771782-C-A.
Other names: c.2047G>T, p.Ala683Ser (NM_001014797.3, NM_001322830.2, NM_001322835.2 and 1 more transcripts); c.2035G>T, p.Ala679Ser (NM_001161353.2, NM_001271519.2, NM_001322829.2 and 5 more transcripts); c.1885G>T, p.Ala629Ser (NM_001271518.2); c.1495G>T, p.Ala499Ser (NM_001322838.2); c.2167G>T, p.Ala723Ser (NM_001437422.1); short protein forms A499S, A629S, A679S, A683S, A723S.
Identifiers: ClinVar variation 5017632 (VCV005017632.1).